The following is an entry in ClinVar:

NM_001283009.2(RTEL1):c.*12G>A

Genes: RTEL1 (regulator of telomere elongation helicase 1; plus strand), RTEL1-TNFRSF6B (RTEL1-TNFRSF6B readthrough (NMD candidate); plus strand). Cytogenetic location: 20q13.33.
Variant type: single nucleotide variant.
Coding change: c.*12G>A on transcript NM_001283009.2 (MANE Select); 12 bases downstream of the stop codon, G replaced by A.
Molecular consequence: 3 prime UTR variant.
Genome position (GRCh38, 1-based): chr20:63,695,870, G>A. VCF-style: chr20-63695870-G-A. GRCh37 (hg19) VCF-style: chr20-62327223-G-A.
Other names: c.*85G>A (NM_001283010.1, NM_016434.4, NM_032957.5).
Identifiers: ClinVar variation 5004570 (VCV005004570.1).

ClinVar aggregate classification (germline): Uncertain significance (1 of 4 stars; one submission).

Conditions:
Dyskeratosis congenita, autosomal recessive 5 (DKCB5). Identifiers: MedGen C3554656, MONDO:0014076, OMIM 615190.

gnomAD v4.1: 4 of 1,572,404 alleles (0.00025%); highest among the groups gnomAD compares: Non-Finnish European, 0.00034%; no homozygotes.

Submission:

Myriad Genetics, Inc.
Classification: Uncertain significance for Dyskeratosis congenita, autosomal recessive 5. Last evaluated: 2026-03-31. Review status: criteria provided, single submitter. Criteria: Myriad Autosomal Dominant, Autosomal Recessive and X-Linked Classification Criteria (2023). Collection method: clinical testing. Allele origin: unknown.
Comment: NM_001283009.1(RTEL1):c.*12G>A is a 3' non-coding variant classified as a variant of uncertain significance in the context of RTEL1-related disorders. c.*12G>A has not been observed in cases with relevant disease. Relevant functional assessments of this variant are not available in the literature. c.*12G>A has not been observed in referenced population frequency databases. In summary, there is insufficient evidence to classify NM_001283009.1(RTEL1):c.*12G>A as pathogenic or benign. Please note: this variant was assessed in the context of healthy population screening.